The following is an entry in ClinVar:

ClinVar aggregate classification (germline): Uncertain significance (1 of 4 stars; one submission).

Allele frequency attached by ClinVar (database versions not stated): gnomAD 0.00001; TOPMed 0.00002.
gnomAD v4.1: 12 of 1,608,004 alleles (0.00075%); highest among the groups gnomAD compares: Non-Finnish European, 0.001%; no homozygotes.

Submission:

Labcorp Genetics (formerly Invitae), Labcorp
Classification: Uncertain significance. Last evaluated: 2022-02-24. Review status: criteria provided, single submitter. Criteria: Invitae Variant Classification Sherloc (09022015). Collection method: clinical testing. Allele origin: germline.
Comment: This sequence change replaces glutamic acid, which is acidic and polar, with alanine, which is neutral and non-polar, at codon 452 of the TELO2 protein (p.Glu452Ala). The frequency data for this variant in the population databases is considered unreliable, as metrics indicate poor data quality at this position in the gnomAD database. This variant has not been reported in the literature in individuals affected with TELO2-related conditions. Algorithms developed to predict the effect of missense changes on protein structure and function output the following: SIFT: "Tolerated"; PolyPhen-2: "Benign"; Align-GVGD: "Class C0". The alanine amino acid residue is found in multiple mammalian species, which suggests that this missense change does not adversely affect protein function. In summary, the available evidence is currently insufficient to determine the role of this variant in disease. Therefore, it has been classified as a Variant of Uncertain Significance.

NM_016111.4(TELO2):c.1355A>C (p.Glu452Ala)

Gene: TELO2 (telomere maintenance 2; plus strand). Cytogenetic location: 16p13.3.
Variant type: single nucleotide variant.
Coding change: c.1355A>C on transcript NM_016111.4 (MANE Select); coding-DNA position 1355, A replaced by C.
Protein change: p.Glu452Ala; replaces glutamic acid 452 with alanine.
Molecular consequence: missense variant.
Genome position (GRCh38, 1-based): chr16:1,501,493, A>C. VCF-style: chr16-1501493-A-C. GRCh37 (hg19) VCF-style: chr16-1551494-A-C.
Other names: c.1355A>C, p.Glu452Ala (NM_001351846.2); short protein forms E452A.
Identifiers: ClinVar variation 1935012 (VCV001935012.5), dbSNP rs1013817016, ClinGen allele CA276658019.
Genomic context (GRCh38, chr16:1,501,493, plus strand): 5'-AACTGAGCCTCGAGCTGCTGGCCTTGGCCTCCCCCCAGCCTGCGGGTGACGGCGCCTCGG[A>C]GGCGGGGTGAGGGTCTCTGCCCCCCGGGACCCCACCGCGTGCACATCTTACTGCTCTGGA-3'
Protein context (NP_057195.2, residues 442-462): SPQPAGDGAS[Glu452Ala]AGTSLVPATA